The following is an entry in ClinVar:

NM_001365536.1(SCN9A):c.3334A>G (p.Ser1112Gly)

Genes: SCN1A-AS1 (SCN1A and SCN9A antisense RNA 1; plus strand), SCN9A (sodium voltage-gated channel alpha subunit 9; minus strand). Cytogenetic location: 2q24.3.
Variant type: single nucleotide variant.
Coding change: c.3334A>G on transcript NM_001365536.1 (MANE Select); coding-DNA position 3334, A replaced by G.
Protein change: p.Ser1112Gly; replaces serine 1112 with glycine.
Molecular consequence: missense variant.
Genome position (GRCh38, 1-based): chr2:166,272,416, T>C on the plus strand (A>G on the coding strand, the complement: SCN9A is on the minus strand). VCF-style: chr2-166272416-T-C. GRCh37 (hg19) VCF-style: chr2-167128926-T-C.
Other names: c.3301A>G, p.Ser1101Gly (NM_002977.4); short protein forms S1112G, S1101G.
Identifiers: ClinVar variation 2062116 (VCV002062116.7), dbSNP rs528649971, ClinGen allele CA1944095.
Genomic context (GRCh38, chr2:166,272,416, plus strand): 5'-CTAATTGTTAATATGAAACACAAAGTATATGAAGCATTCTTACCACTTTGCTGTATTCAC[T>C]ATCCGAATCACTGCTAAGTTCCTCAGCATTCATATTTTCCAAATCGGATTCCCCAGGTGC-3'
Protein context (NP_001352465.1, residues 1102-1122): NAEELSSDSD[Ser1112Gly]EYSKVRLNRS

ClinVar aggregate classification (germline): Uncertain significance. Review status: criteria provided, multiple submitters, no conflicts (2 of 4 stars). 3 submissions from 3 submitters: Uncertain significance (3). Last evaluated 2024-12-19.

Conditions:
Inborn genetic diseases. Identifiers: MedGen C0950123, MeSH D030342.
Neuropathy, hereditary sensory and autonomic, type 2A (HSAN2A). Also called: HSAN IIA; MORVAN DISEASE; NEUROPATHY, CONGENITAL SENSORY; NEUROPATHY, HEREDITARY SENSORY RADICULAR, AUTOSOMAL RECESSIVE; NEUROPATHY, HEREDITARY SENSORY, TYPE IIA; NEUROPATHY, PROGRESSIVE SENSORY, OF CHILDREN. Identifiers: Orphanet 970, MedGen C2752089, MONDO:0024309, OMIM 201300.
Generalized epilepsy with febrile seizures plus, type 7 (GEFSP7). Also called: GEFS+, TYPE 7. Identifiers: Orphanet 36387, MedGen C2751778, MONDO:0013470, OMIM 613863.

Allele frequency attached by ClinVar (database versions not stated): gnomAD exomes below 0.00001; TOPMed 0.00001; ExAC 0.00002; 1000 Genomes Project 0.00020.
gnomAD v4.1: 9 of 1,593,232 alleles (0.00056%); highest among the groups gnomAD compares: East Asian, 0.011%; no homozygotes.

Submissions (3):

ARUP Laboratories, Molecular Genetics and Genomics, ARUP Laboratories
Classification: Uncertain significance. Last evaluated: 2024-12-19. Review status: criteria provided, single submitter. Criteria: ARUP Molecular Germline Variant Investigation Process 2024. Collection method: clinical testing. Allele origin: germline.
Comment: The SCN9A c.3301A>G; p.Ser1101Gly variant (rs1184499204), to our knowledge, is not reported in the medical literature but is reported in ClinVar (Variation ID: 2062116). This variant is only observed on one allele in the Genome Aggregation Database (v2.1.1), indicating it is not a common polymorphism. Computational analyses are uncertain whether this variant is neutral or deleterious (REVEL: 0.195). Due to limited information, the clinical significance of this variant is uncertain at this time.

Labcorp Genetics (formerly Invitae), Labcorp
Classification: Uncertain significance for Neuropathy, hereditary sensory and autonomic, type 2A; Generalized epilepsy with febrile seizures plus, type 7. Last evaluated: 2023-12-18. Review status: criteria provided, single submitter. Criteria: Invitae Variant Classification Sherloc (09022015). Collection method: clinical testing. Allele origin: germline.
Comment: This sequence change replaces serine, which is neutral and polar, with glycine, which is neutral and non-polar, at codon 1101 of the SCN9A protein (p.Ser1101Gly). The frequency data for this variant in the population databases is considered unreliable, as metrics indicate poor data quality at this position in the gnomAD database. This variant has not been reported in the literature in individuals affected with SCN9A-related conditions. ClinVar contains an entry for this variant (Variation ID: 2062116). Advanced modeling of protein sequence and biophysical properties (such as structural, functional, and spatial information, amino acid conservation, physicochemical variation, residue mobility, and thermodynamic stability) performed at Invitae indicates that this missense variant is not expected to disrupt SCN9A protein function with a negative predictive value of 95%. In summary, the available evidence is currently insufficient to determine the role of this variant in disease. Therefore, it has been classified as a Variant of Uncertain Significance.

Ambry Genetics
Classification: Uncertain significance for Inborn genetic diseases. Last evaluated: 2023-06-30. Review status: criteria provided, single submitter. Criteria: Ambry Variant Classification Scheme 2023. Collection method: clinical testing. Allele origin: germline.